The following is an entry in ClinVar:

NM_000815.5(GABRD):c.1222C>T (p.Arg408Cys)

Gene: GABRD (gamma-aminobutyric acid type A receptor subunit delta; plus strand). Cytogenetic location: 1p36.33.
Variant type: single nucleotide variant.
Coding change: c.1222C>T on transcript NM_000815.5 (MANE Select); coding-DNA position 1222, C replaced by T.
Protein change: p.Arg408Cys; replaces arginine 408 with cysteine.
Molecular consequence: missense variant.
Genome position (GRCh38, 1-based): chr1:2,030,145, C>T. VCF-style: chr1-2030145-C-T. GRCh37 (hg19) VCF-style: chr1-1961584-C-T.
Other names: short protein forms R408C.
Identifiers: ClinVar variation 569706 (VCV000569706.14), dbSNP rs200430448, ClinGen allele CA534953.

ClinVar aggregate classification (germline): Uncertain significance. Review status: criteria provided, multiple submitters, no conflicts (2 of 4 stars). 2 submissions from 2 submitters: Uncertain significance (2). Last evaluated 2025-03-30.

Conditions:
Idiopathic generalized epilepsy. Also called: EIG; Generalised epilepsy. Identifiers: MedGen C0270850, MONDO:0005579, OMIM 600669.

Allele frequency attached by ClinVar (database versions not stated): gnomAD 0.00009 and 0.00010; ExAC 0.00005; gnomAD exomes 0.00004 and 0.00009; TOPMed 0.00012; ESP Exome Variant Server 0.00015.

Submissions (2):

Labcorp Genetics (formerly Invitae), Labcorp
Classification: Uncertain significance for Idiopathic generalized epilepsy. Last evaluated: 2025-03-30. Review status: criteria provided, single submitter. Criteria: Invitae Variant Classification Sherloc (09022015). Collection method: clinical testing. Allele origin: germline.
Comment: This sequence change replaces arginine, which is basic and polar, with cysteine, which is neutral and slightly polar, at codon 408 of the GABRD protein (p.Arg408Cys). This variant is present in population databases (rs200430448, gnomAD 0.02%). This variant has not been reported in the literature in individuals affected with GABRD-related conditions. ClinVar contains an entry for this variant (Variation ID: 569706). An algorithm developed to predict the effect of missense changes on protein structure and function (PolyPhen-2) suggests that this variant is likely to be disruptive. In summary, the available evidence is currently insufficient to determine the role of this variant in disease. Therefore, it has been classified as a Variant of Uncertain Significance.

Mayo Clinic Laboratories, Mayo Clinic
Classification: Uncertain significance. Last evaluated: 2019-04-22. Review status: criteria provided, single submitter. Criteria: ACMG Guidelines, 2015. Collection method: clinical testing. Allele origin: germline. Observed: 1 variant allele.